The following is an entry in ClinVar:

ClinVar aggregate classification (germline): Uncertain significance (1 of 4 stars; one submission).

Submission:

GeneDx
Classification: Uncertain significance. Last evaluated: 2025-06-20. Review status: criteria provided, single submitter. Criteria: GeneDx Variant Classification Process June 2021. Collection method: clinical testing. Allele origin: germline. Affected: yes.
Comment: Not observed at significant frequency in large population cohorts (gnomAD); In silico analysis supports that this missense variant has a deleterious effect on protein structure/function; Has not been previously published as pathogenic or benign to our knowledge

NM_006516.4(SLC2A1):c.951C>A (p.Asn317Lys)

Gene: SLC2A1 (solute carrier family 2 member 1; minus strand). Cytogenetic location: 1p34.2.
Variant type: single nucleotide variant.
Coding change: c.951C>A on transcript NM_006516.4 (MANE Select); coding-DNA position 951, C replaced by A.
Protein change: p.Asn317Lys; replaces asparagine 317 with lysine.
Molecular consequence: missense variant.
Genome position (GRCh38, 1-based): chr1:42,929,231, G>T on the plus strand (C>A on the coding strand, the complement: SLC2A1 is on the minus strand). VCF-style: chr1-42929231-G-T. GRCh37 (hg19) VCF-style: chr1-43394902-G-T.
Other names: short protein forms N317K.
Identifiers: ClinVar variation 4538964 (VCV004538964.1).